The following is an entry in ClinVar:

NM_005609.4(PYGM):c.1561A>T (p.Lys521Ter)

Gene: PYGM (glycogen phosphorylase, muscle associated; minus strand). Cytogenetic location: 11q13.1.
Variant type: single nucleotide variant.
Coding change: c.1561A>T on transcript NM_005609.4 (MANE Select); coding-DNA position 1561, A replaced by T.
Protein change: p.Lys521Ter; replaces lysine 521 with a stop codon.
Molecular consequence: nonsense.
Genome position (GRCh38, 1-based): chr11:64,752,462, T>A on the plus strand (A>T on the coding strand, the complement: PYGM is on the minus strand). VCF-style: chr11-64752462-T-A. GRCh37 (hg19) VCF-style: chr11-64519934-T-A.
Other names: c.1297A>T, p.Lys433Ter (NM_001164716.1); short protein forms K433*, K521*.
Identifiers: ClinVar variation 650465 (VCV000650465.6), dbSNP rs1592410003, ClinGen allele CA381173882.

ClinVar aggregate classification (germline): Pathogenic (1 of 4 stars; one submission).

Conditions:
Glycogen storage disease, type V (GSD5). Also called: PYGM DEFICIENCY; McArdle type glycogen storage disease; MCARDLE DISEASE; MUSCLE GLYCOGEN PHOSPHORYLASE DEFICIENCY; MYOPHOSPHORYLASE DEFICIENCY. Identifiers: Orphanet 368, MedGen C0017924, MONDO:0009293, OMIM 232600.

Allele frequency attached by ClinVar (database versions not stated): gnomAD exomes below 0.00001.
gnomAD v4.1: 1 of 1,614,246 alleles (0.000062%); highest among the groups gnomAD compares: Non-Finnish European, 0.000085%; no homozygotes.

Submission:

Labcorp Genetics (formerly Invitae), Labcorp
Classification: Pathogenic for Glycogen storage disease, type V. Last evaluated: 2024-08-08. Review status: criteria provided, single submitter. Criteria: Invitae Variant Classification Sherloc (09022015). Collection method: clinical testing. Allele origin: germline.
Comment: This sequence change creates a premature translational stop signal (p.Lys521*) in the PYGM gene. It is expected to result in an absent or disrupted protein product. Loss-of-function variants in PYGM are known to be pathogenic (PMID: 8316268, 16786513). This variant is not present in population databases (gnomAD no frequency). This variant has not been reported in the literature in individuals affected with PYGM-related conditions. ClinVar contains an entry for this variant (Variation ID: 650465). For these reasons, this variant has been classified as Pathogenic.

Literature cited by the submitters: PubMed 8316268; PubMed 16786513.